The following is an entry in ClinVar:

NM_001687.5(ATP5F1D):c.479A>G (p.Asn160Ser)

Genes: ATP5F1D (ATP synthase F1 subunit delta; plus strand), LOC130062904 (ATAC-STARR-seq lymphoblastoid silent region 9674; plus strand). Cytogenetic location: 19p13.3.
Variant type: single nucleotide variant.
Coding change: c.479A>G on transcript NM_001687.5 (MANE Select); coding-DNA position 479, A replaced by G.
Protein change: p.Asn160Ser; replaces asparagine 160 with serine.
Molecular consequence: missense variant.
Genome position (GRCh38, 1-based): chr19:1,244,409, A>G. VCF-style: chr19-1244409-A-G. GRCh37 (hg19) VCF-style: chr19-1244408-A-G.
Other names: c.479A>G, p.Asn160Ser (NM_001001975.2); c.479A>G (NM_001001975.1, NM_001687.4); short protein forms N160S.
Identifiers: ClinVar variation 2183696 (VCV002183696.7), dbSNP rs372801460, ClinGen allele CA9040351.

ClinVar aggregate classification (germline): Conflicting classifications of pathogenicity. Review status: criteria provided, conflicting classifications (1 of 4 stars). 3 submissions from 3 submitters: Uncertain significance (1); Likely benign (1). 1 of the submissions does not count toward it. Last evaluated 2025-12-03.

Conditions:
ATP5F1D-related disorder. Also called: ATP5F1D-related condition.
Inborn genetic diseases. Identifiers: MedGen C0950123, MeSH D030342.

Allele frequency attached by ClinVar (database versions not stated): ExAC 0.00023.

Submissions (3):

Labcorp Genetics (formerly Invitae), Labcorp
Classification: Uncertain significance. Last evaluated: 2025-12-03. Review status: criteria provided, single submitter. Criteria: Invitae Variant Classification Sherloc (09022015). Collection method: clinical testing. Allele origin: germline.
Comment: This sequence change replaces asparagine, which is neutral and polar, with serine, which is neutral and polar, at codon 160 of the ATP5D protein (p.Asn160Ser). This variant is present in population databases (rs372801460, gnomAD 0.2%), and has an allele count higher than expected for a pathogenic variant. This variant has not been reported in the literature in individuals affected with ATP5D-related conditions. ClinVar contains an entry for this variant (Variation ID: 2183696). An algorithm developed to predict the effect of missense changes on protein structure and function outputs the following: PolyPhen-2: "Benign". The serine amino acid residue is found in multiple mammalian species, which suggests that this missense change does not adversely affect protein function. In summary, the available evidence is currently insufficient to determine the role of this variant in disease. Therefore, it has been classified as a Variant of Uncertain Significance.

Ambry Genetics
Classification: Likely benign for Inborn genetic diseases. Last evaluated: 2025-07-22. Review status: criteria provided, single submitter. Criteria: Ambry Variant Classification Scheme 2023. Collection method: clinical testing. Allele origin: germline.

PreventionGenetics, part of Exact Sciences
Classification: Likely benign for ATP5F1D-related condition. Last evaluated: 2022-04-27. Review status: no assertion criteria provided. Collection method: clinical testing. Allele origin: germline. Not counted in ClinVar's aggregate classification.
Comment: This variant is classified as likely benign based on ACMG/AMP sequence variant interpretation guidelines (Richards et al. 2015 PMID: 25741868, with internal and published modifications).